The following is an entry in ClinVar:

NM_006904.7(PRKDC):c.8407A>G (p.Ile2803Val)

Gene: PRKDC (protein kinase, DNA-activated, catalytic subunit; minus strand). Cytogenetic location: 8q11.21.
Variant type: single nucleotide variant.
Coding change: c.8407A>G on transcript NM_006904.7 (MANE Select); coding-DNA position 8407, A replaced by G.
Protein change: p.Ile2803Val; replaces isoleucine 2803 with valine.
Molecular consequence: missense variant.
Genome position (GRCh38, 1-based): chr8:47,828,338, T>C on the plus strand (A>G on the coding strand, the complement: PRKDC is on the minus strand). VCF-style: chr8-47828338-T-C. GRCh37 (hg19) VCF-style: chr8-48740899-T-C.
Other names: c.8407A>G, p.Ile2803Val (NM_001081640.2); short protein forms I2803V.
Identifiers: ClinVar variation 961867 (VCV000961867.5), dbSNP rs187739471, ClinGen allele CA4739821.

ClinVar aggregate classification (germline): Uncertain significance (1 of 4 stars; one submission).

Conditions:
Severe combined immunodeficiency due to DNA-PKcs deficiency. Also called: IMMUNODEFICIENCY 26 WITH NEUROLOGIC ABNORMALITIES; Immunodeficiency 26 with or without neurologic abnormalities. Identifiers: Orphanet 317425, MedGen C4014833, MONDO:0014423, OMIM 615966.

Allele frequency attached by ClinVar (database versions not stated): gnomAD exomes 0.00003 and 0.00008; ExAC 0.00007; gnomAD 0.00014; 1000 Genomes Project 30x 0.00016; 1000 Genomes Project 0.00020; TOPMed 0.00023; ESP Exome Variant Server 0.00026.
gnomAD v4.1: 74 of 1,559,876 alleles (0.0047%); highest among the groups gnomAD compares: African/African-American, 0.072%; 1 homozygote.

Submission:

Labcorp Genetics (formerly Invitae), Labcorp
Classification: Uncertain significance for Severe combined immunodeficiency due to DNA-PKcs deficiency. Last evaluated: 2025-01-13. Review status: criteria provided, single submitter. Criteria: Invitae Variant Classification Sherloc (09022015). Collection method: clinical testing. Allele origin: germline.
Comment: This sequence change replaces isoleucine, which is neutral and non-polar, with valine, which is neutral and non-polar, at codon 2803 of the PRKDC protein (p.Ile2803Val). This variant is present in population databases (rs187739471, gnomAD 0.03%), including at least one homozygous and/or hemizygous individual. This variant has not been reported in the literature in individuals affected with PRKDC-related conditions. ClinVar contains an entry for this variant (Variation ID: 961867). Invitae Evidence Modeling of protein sequence and biophysical properties (such as structural, functional, and spatial information, amino acid conservation, physicochemical variation, residue mobility, and thermodynamic stability) indicates that this missense variant is not expected to disrupt PRKDC protein function with a negative predictive value of 80%. In summary, the available evidence is currently insufficient to determine the role of this variant in disease. Therefore, it has been classified as a Variant of Uncertain Significance.